The following is an entry in ClinVar:

NM_000135.4(FANCA):c.3508G>C (p.Ala1170Pro)

Gene: FANCA (FA complementation group A; minus strand). Cytogenetic location: 16q24.3.
Variant type: single nucleotide variant.
Coding change: c.3508G>C on transcript NM_000135.4 (MANE Select); coding-DNA position 3508, G replaced by C.
Protein change: p.Ala1170Pro; replaces alanine 1170 with proline.
Molecular consequence: missense variant.
Genome position (GRCh38, 1-based): chr16:89,746,589, C>G on the plus strand (G>C on the coding strand, the complement: FANCA is on the minus strand). VCF-style: chr16-89746589-C-G. GRCh37 (hg19) VCF-style: chr16-89812997-C-G.
Other names: c.3508G>C, p.Ala1170Pro (NM_001286167.3); c.3508G>C (NM_000135.2); short protein forms A1170P.
Identifiers: ClinVar variation 1429006 (VCV001429006.9), dbSNP rs778280114, ClinGen allele CA397485825.

ClinVar aggregate classification (germline): Uncertain significance. Review status: criteria provided, multiple submitters, no conflicts (2 of 4 stars). 2 submissions from 2 submitters: Uncertain significance (2). Last evaluated 2025-12-22.

Conditions:
Inborn genetic diseases. Identifiers: MedGen C0950123, MeSH D030342.
Fanconi anemia (FA). Also called: Fanconi's anemia. Identifiers: Orphanet 84, MedGen C0015625, MeSH D005199, MONDO:0019391.

Allele frequency attached by ClinVar (database versions not stated): TOPMed 0.00001.

Submissions (2):

Ambry Genetics
Classification: Uncertain significance for Inborn genetic diseases. Last evaluated: 2025-12-22. Review status: criteria provided, single submitter. Criteria: Ambry Variant Classification Scheme 2023. Collection method: clinical testing. Allele origin: germline.
Comment: The p.A1170P variant (also known as c.3508G>C), located in coding exon 35 of the FANCA gene, results from a G to C substitution at nucleotide position 3508. The alanine at codon 1170 is replaced by proline, an amino acid with highly similar properties. This amino acid position is conserved. In addition, this alteration is predicted to be deleterious by in silico analysis. Based on the available evidence, the clinical significance of this variant remains unclear.

Labcorp Genetics (formerly Invitae), Labcorp
Classification: Uncertain significance for Fanconi anemia. Last evaluated: 2020-12-11. Review status: criteria provided, single submitter. Criteria: Invitae Variant Classification Sherloc (09022015). Collection method: clinical testing. Allele origin: germline.
Comment: In summary, the available evidence is currently insufficient to determine the role of this variant in disease. Therefore, it has been classified as a Variant of Uncertain Significance. Advanced modeling of protein sequence and biophysical properties (such as structural, functional, and spatial information, amino acid conservation, physicochemical variation, residue mobility, and thermodynamic stability) performed at Invitae indicates that this missense variant is expected to disrupt FANCA protein function. This variant has not been reported in the literature in individuals with FANCA-related conditions. This variant is not present in population databases (ExAC no frequency). This sequence change replaces alanine with proline at codon 1170 of the FANCA protein (p.Ala1170Pro). The alanine residue is highly conserved and there is a small physicochemical difference between alanine and proline.